The following is an entry in ClinVar:

ClinVar aggregate classification (germline): Uncertain significance. Review status: reviewed by expert panel (3 of 4 stars). 5 submissions from 5 submitters: Uncertain significance (1). 4 of the submissions do not count toward it. Last evaluated 2024-06-13.

Conditions:
Athabaskan severe combined immunodeficiency (SCIDA). Also called: Severe combined immunodeficiency, athabascan-type. Identifiers: MedGen C1865370.
Severe combined immunodeficiency due to DCLRE1C deficiency (RS-SCID). Also called: SCID, AUTOSOMAL RECESSIVE, T CELL-NEGATIVE, B CELL-NEGATIVE, NK CELL-POSITIVE, WITH SENSITIVITY TO IONIZING RADIATION. Identifiers: Orphanet 275, MedGen C1865371, MONDO:0011225, OMIM 602450.
Inborn genetic diseases. Identifiers: MedGen C0950123, MeSH D030342.

Allele frequency attached by ClinVar (database versions not stated): ExAC 0.00002; gnomAD exomes 0.00004; gnomAD 0.00006; TOPMed 0.00009.

Submissions (5):

ClinGen Severe Combined Immunodeficiency Variant Curation Expert Panel, ClinGen
Classification: Uncertain significance for Severe combined immunodeficiency due to DCLRE1C deficiency. Last evaluated: 2024-06-13. Review status: reviewed by expert panel. Criteria: ClinGen SCID ACMG Specifications DCLRE1C V1.0.0. Collection method: curation. Allele origin: germline. Inheritance: Autosomal recessive inheritance.
Comment: The c.593C>T (NM_001033855.3) variant in DCLRE1C is a missense variant predicted to cause the substitution of Proline by Leucine at amino acid 198 (p.Pro198Leu). The filtering allele frequency (the upper threshold of the 95% CI of 8/59980) of the c.593C>T variant in DCLRE1C is 0.00006617 for Admixed American chromosomes by gnomAD v4, which is lower than the SCID-VCEP threshold for BS1 (>0.00078) and BA1 (>0.00346) but higher than the threshold (<0.00003266) for PM2_Supporting (BS1 not met, BA1 not met, PM2_Supporting not met). No homozygotes have been observed in gnomAD. To our knowledge, this variant has not been reported in the literature in individuals affected with SCID/DCLRE1C-related conditions or in functional studies. In summary, this variant meets the criteria to be classified as a variant of uncertain significance for autosomal recessive severe combined immunodeficiency due to DCLRE1C deficiency based on the ACMG/AMP criteria applied, as specified by the ClinGen SCID VCEP (specification version 1.0): No criteria were applied.

Ambry Genetics
Classification: Uncertain significance for Inborn genetic diseases. Last evaluated: 2025-04-30. Review status: criteria provided, single submitter. Criteria: Ambry Variant Classification Scheme 2023. Collection method: clinical testing. Allele origin: germline. Not counted in ClinVar's aggregate classification.

Blueprint Genetics
Classification: Uncertain significance. Last evaluated: 2024-03-05. Review status: criteria provided, single submitter. Criteria: ACMG Guidelines, 2015. Collection method: clinical testing. Allele origin: germline. Not counted in ClinVar's aggregate classification.

Labcorp Genetics (formerly Invitae), Labcorp
Classification: Uncertain significance for Athabaskan severe combined immunodeficiency. Last evaluated: 2022-08-16. Review status: criteria provided, single submitter. Criteria: Invitae Variant Classification Sherloc (09022015). Collection method: clinical testing. Allele origin: germline. Not counted in ClinVar's aggregate classification.
Comment: This sequence change replaces proline, which is neutral and non-polar, with leucine, which is neutral and non-polar, at codon 198 of the DCLRE1C protein (p.Pro198Leu). This variant is present in population databases (rs772391197, gnomAD 0.01%). This variant has not been reported in the literature in individuals affected with DCLRE1C-related conditions. ClinVar contains an entry for this variant (Variation ID: 968126). Algorithms developed to predict the effect of missense changes on protein structure and function (SIFT, PolyPhen-2, Align-GVGD) all suggest that this variant is likely to be tolerated. In summary, the available evidence is currently insufficient to determine the role of this variant in disease. Therefore, it has been classified as a Variant of Uncertain Significance.

Natera, Inc.
Classification: Uncertain significance for Athabascan severe combined immunodeficiency. Last evaluated: 2020-08-01. Review status: no assertion criteria provided. Collection method: clinical testing. Allele origin: germline. Not counted in ClinVar's aggregate classification.

NM_001033855.3(DCLRE1C):c.593C>T (p.Pro198Leu)

Gene: DCLRE1C (DNA cross-link repair 1C; minus strand). Cytogenetic location: 10p13.
Variant type: single nucleotide variant.
Coding change: c.593C>T on transcript NM_001033855.3 (MANE Select); coding-DNA position 593, C replaced by T.
Protein change: p.Pro198Leu; replaces proline 198 with leucine.
Molecular consequence: missense variant. On other transcripts: non-coding transcript variant (4).
Genome position (GRCh38, 1-based): chr10:14,934,465, G>A on the plus strand (C>T on the coding strand, the complement: DCLRE1C is on the minus strand). VCF-style: chr10-14934465-G-A. GRCh37 (hg19) VCF-style: chr10-14976464-G-A.
Other names: NM_001033855.3(DCLRE1C):c.593C>T; p.Pro198Leu; c.233C>T, p.Pro78Leu (NM_001033857.3, NM_001033858.3, NM_001289077.2 and 2 more transcripts); c.248C>T, p.Pro83Leu (NM_001289076.2, NM_001289078.2, NM_001350966.2 and 1 more transcripts); c.593C>T, p.Pro198Leu (NM_001350965.2); c.593C>T (NM_001033855.1); short protein forms P83L, P198L, P78L.
Identifiers: ClinVar variation 968126 (VCV000968126.7), dbSNP rs772391197, ClinGen allele CA5416771.